The following is an entry in ClinVar:

ClinVar aggregate classification (germline): Benign/Likely benign. Review status: criteria provided, multiple submitters, no conflicts (2 of 4 stars). 4 submissions from 4 submitters: Benign (2); Likely benign (2). Last evaluated 2026-08-19.

Conditions:
Hereditary cancer-predisposing syndrome. Also called: Hereditary Cancer Syndrome; Hereditary neoplastic syndrome; Neoplastic Syndromes, Hereditary; Tumor predisposition. Identifiers: Orphanet 140162, MedGen C0027672, MeSH D009386, MONDO:0015356.
DICER1-related tumor predisposition. Also called: DICER1-related pleuropulmonary blastoma cancer predisposition syndrome; DICER1 syndrome. Identifiers: Orphanet 284343, MedGen C3839822, MONDO:0100216.

Allele frequency attached by ClinVar (database versions not stated): TOPMed 0.00002; gnomAD 0.00004 and 0.00003.
gnomAD v4.1: 50 of 1,613,912 alleles (0.0031%); highest among the groups gnomAD compares: South Asian, 0.0055%; no homozygotes.

Submissions (4):

Myriad Genetics, Inc.
Classification: Benign for DICER1-related tumor predisposition. Last evaluated: 2026-08-19. Review status: criteria provided, single submitter. Criteria: Myriad Autosomal Dominant, Autosomal Recessive and X-Linked Classification Criteria (2023). Collection method: clinical testing. Allele origin: unknown.
Comment: This variant is considered benign. This variant is a silent/synonymous amino acid change and it is not expected to impact splicing.

Ambry Genetics
Classification: Benign for Hereditary cancer-predisposing syndrome. Last evaluated: 2026-07-28. Review status: criteria provided, single submitter. Criteria: Ambry Variant Classification Scheme 2023. Collection method: clinical testing. Allele origin: germline.

Labcorp Genetics (formerly Invitae), Labcorp
Classification: Likely benign for DICER1-related tumor predisposition. Last evaluated: 2025-12-22. Review status: criteria provided, single submitter. Criteria: Invitae Variant Classification Sherloc (09022015). Collection method: clinical testing. Allele origin: germline.

Hereditary Cancer Group, L’Institut d'Investigació Biomèdica de Bellvitge
Classification: Likely benign for Hereditary cancer-predisposing syndrome. Last evaluated: 2024-12-19. Review status: criteria provided, single submitter. Criteria: Hatton et al. (Hum Mutat. 2023). Collection method: clinical testing. Allele origin: germline. Inheritance: Autosomal dominant inheritance. Affected: yes.
Comment: BP4, BP7

NM_177438.3(DICER1):c.5442G>A (p.Ser1814=)

Gene: DICER1 (dicer 1, ribonuclease III; minus strand). Cytogenetic location: 14q32.13.
Variant type: single nucleotide variant.
Coding change: c.5442G>A on transcript NM_177438.3 (MANE Select); coding-DNA position 5442, G replaced by A.
Protein change: p.Ser1814=; no amino-acid change (serine 1814 retained).
Molecular consequence: synonymous variant. On other transcripts: intron variant (1).
Genome position (GRCh38, 1-based): chr14:95,091,288, C>T on the plus strand (G>A on the coding strand, the complement: DICER1 is on the minus strand). VCF-style: chr14-95091288-C-T. GRCh37 (hg19) VCF-style: chr14-95557625-C-T.
Other names: c.5442G>A, p.Ser1814= (NM_001271282.3, NM_001291628.2, NM_030621.4); c.5365-179G>A (NM_001195573.1).
Identifiers: ClinVar variation 417100 (VCV000417100.20), dbSNP rs759875628, ClinGen allele CA7330661.